The following is an entry in ClinVar:

NM_001127198.5(TMC6):c.62G>T (p.Gly21Val)

Gene: TMC6 (transmembrane channel like 6; minus strand). Cytogenetic location: 17q25.3.
Variant type: single nucleotide variant.
Coding change: c.62G>T on transcript NM_001127198.5 (MANE Select); coding-DNA position 62, G replaced by T.
Protein change: p.Gly21Val; replaces glycine 21 with valine.
Molecular consequence: missense variant. On other transcripts: non-coding transcript variant (4).
Genome position (GRCh38, 1-based): chr17:78,126,643, C>A on the plus strand (G>T on the coding strand, the complement: TMC6 is on the minus strand). VCF-style: chr17-78126643-C-A. GRCh37 (hg19) VCF-style: chr17-76122724-C-A.
Other names: c.62G>T, p.Gly21Val (NM_001321185.1, NM_001374593.1, NM_001374594.1 and 4 more transcripts); short protein forms G21V.
Identifiers: ClinVar variation 1898515 (VCV001898515.6), dbSNP rs764574773, ClinGen allele CA401236940.
Genomic context (GRCh38, chr17:78,126,643, plus strand): 5'-TGCTCCTGGATGAGCTGCTGGAAGGAGTCGTGCACTTCGCTTTCATCATAGGGGCTGGGG[C>A]CCTGGCTGCAGAGGGGGTTGGCGGGGGGGTCAGGCTCCAGCCACCTCTCTCCTTCCAGCA-3'
Protein context (NP_001120670.1, residues 11-31): VPETPGDQGQ[Gly21Val]PSPYDESEVH

ClinVar aggregate classification (germline): Uncertain significance. Review status: criteria provided, multiple submitters, no conflicts (2 of 4 stars). 2 submissions from 2 submitters: Uncertain significance (2). Last evaluated 2025-05-19.

Conditions:
Epidermodysplasia verruciformis. Identifiers: Orphanet 302, MedGen C0014522, MONDO:0009176.
Inborn genetic diseases. Identifiers: MedGen C0950123, MeSH D030342.

gnomAD v4.1: 17 of 1,613,232 alleles (0.0011%); highest among the groups gnomAD compares: Non-Finnish European, 0.0014%; no homozygotes.

Submissions (2):

Ambry Genetics
Classification: Uncertain significance for Inborn genetic diseases. Last evaluated: 2025-05-19. Review status: criteria provided, single submitter. Criteria: Ambry Variant Classification Scheme 2023. Collection method: clinical testing. Allele origin: germline.

Labcorp Genetics (formerly Invitae), Labcorp
Classification: Uncertain significance for Epidermodysplasia verruciformis. Last evaluated: 2022-03-27. Review status: criteria provided, single submitter. Criteria: Invitae Variant Classification Sherloc (09022015). Collection method: clinical testing. Allele origin: germline.
Comment: In summary, the available evidence is currently insufficient to determine the role of this variant in disease. Therefore, it has been classified as a Variant of Uncertain Significance. Algorithms developed to predict the effect of sequence changes on RNA splicing suggest that this variant may create or strengthen a splice site. Algorithms developed to predict the effect of missense changes on protein structure and function are either unavailable or do not agree on the potential impact of this missense change (SIFT: "Not Available"; PolyPhen-2: "Benign"; Align-GVGD: "Not Available"). This variant has not been reported in the literature in individuals affected with TMC6-related conditions. This variant is present in population databases (no rsID available, gnomAD 0.0009%). This sequence change replaces glycine, which is neutral and non-polar, with valine, which is neutral and non-polar, at codon 21 of the TMC6 protein (p.Gly21Val).